The following is an entry in ClinVar:

ClinVar aggregate classification (germline): Uncertain significance (1 of 4 stars; one submission).

Submission:

Labcorp Genetics (formerly Invitae), Labcorp
Classification: Uncertain significance. Last evaluated: 2025-04-08. Review status: criteria provided, single submitter. Criteria: Invitae Variant Classification Sherloc (09022015). Collection method: clinical testing. Allele origin: germline.
Comment: This sequence change replaces aspartic acid, which is acidic and polar, with asparagine, which is neutral and polar, at codon 397 of the CFB protein (p.Asp397Asn). This variant is not present in population databases (gnomAD no frequency). This variant has not been reported in the literature in individuals affected with CFB-related conditions. Invitae Evidence Modeling of protein sequence and biophysical properties (such as structural, functional, and spatial information, amino acid conservation, physicochemical variation, residue mobility, and thermodynamic stability) indicates that this missense variant is not expected to disrupt CFB protein function with a negative predictive value of 80%. In summary, the available evidence is currently insufficient to determine the role of this variant in disease. Therefore, it has been classified as a Variant of Uncertain Significance.

NM_001710.6(CFB):c.1189G>A (p.Asp397Asn)

Gene: CFB (complement factor B; plus strand). Cytogenetic location: 6p21.33.
Variant type: single nucleotide variant.
Coding change: c.1189G>A on transcript NM_001710.6 (MANE Select); coding-DNA position 1189, G replaced by A.
Protein change: p.Asp397Asn; replaces aspartic acid 397 with asparagine.
Molecular consequence: missense variant.
Genome position (GRCh38, 1-based): chr6:31,949,263, G>A. VCF-style: chr6-31949263-G-A. GRCh37 (hg19) VCF-style: chr6-31917040-G-A.
Other names: short protein forms D397N.
Identifiers: ClinVar variation 4762290 (VCV004762290.1).
Genomic context (GRCh38, chr6:31,949,263, plus strand): 5'-TTCCTTATCTCCTACCCTCATGGTCCTGTCTCTTCTGCAGGATTGCACAACATGGGCGGG[G>A]ACCCAATTACTGTCATTGATGAGATCCGGGACTTGCTATACATTGGCAAGGATCGCAAAA-3'
Protein context (NP_001701.2, residues 387-407): MTDGLHNMGG[Asp397Asn]PITVIDEIRD